The following is an entry in ClinVar:

NM_001099271.2(POC5):c.304G>C (p.Asp102His)

Gene: POC5 (POC5 centriolar protein; minus strand). Cytogenetic location: 5q13.3.
Variant type: single nucleotide variant.
Coding change: c.304G>C on transcript NM_001099271.2 (MANE Select); coding-DNA position 304, G replaced by C.
Protein change: p.Asp102His; replaces aspartic acid 102 with histidine.
Molecular consequence: missense variant.
Genome position (GRCh38, 1-based): chr5:75,705,707, C>G on the plus strand (G>C on the coding strand, the complement: POC5 is on the minus strand). VCF-style: chr5-75705707-C-G. GRCh37 (hg19) VCF-style: chr5-75001532-C-G.
Other names: c.229G>C, p.Asp77His (NM_152408.3); short protein forms D77H, D102H.
Identifiers: ClinVar variation 2338118 (VCV002338118.5), dbSNP rs2478938290, ClinGen allele CA360150096.

ClinVar aggregate classification (germline): Uncertain significance. Review status: criteria provided, multiple submitters, no conflicts (2 of 4 stars). 2 submissions from 2 submitters: Uncertain significance (2). Last evaluated 2023-05-11.

Submissions (2):

Labcorp Genetics (formerly Invitae), Labcorp
Classification: Uncertain significance. Last evaluated: 2023-05-11. Review status: criteria provided, single submitter. Criteria: Invitae Variant Classification Sherloc (09022015). Collection method: clinical testing. Allele origin: germline.
Comment: In summary, the available evidence is currently insufficient to determine the role of this variant in disease. Therefore, it has been classified as a Variant of Uncertain Significance. An algorithm developed to predict the effect of missense changes on protein structure and function (PolyPhen-2) suggests that this variant is likely to be tolerated. ClinVar contains an entry for this variant (Variation ID: 2338118). This variant has not been reported in the literature in individuals affected with POC5-related conditions. This variant is not present in population databases (gnomAD no frequency). This sequence change replaces aspartic acid, which is acidic and polar, with histidine, which is basic and polar, at codon 102 of the POC5 protein (p.Asp102His).

Ambry Genetics
Classification: Uncertain significance. Last evaluated: 2022-12-21. Review status: criteria provided, single submitter. Criteria: Ambry Variant Classification Scheme 2023. Collection method: clinical testing. Allele origin: germline.